The following is an entry in ClinVar:

ClinVar aggregate classification (germline): Conflicting classifications of pathogenicity. Review status: criteria provided, conflicting classifications (1 of 4 stars). 2 submissions from 2 submitters: Uncertain significance (1); Likely benign (1). Last evaluated 2025-10-02.

gnomAD v4.1: 11 of 1,551,426 alleles (0.00071%); highest among the groups gnomAD compares: African/African-American, 0.014%; no homozygotes.

Submissions (2):

Labcorp Genetics (formerly Invitae), Labcorp
Classification: Likely benign. Last evaluated: 2025-10-02. Review status: criteria provided, single submitter. Criteria: Invitae Variant Classification Sherloc (09022015). Collection method: clinical testing. Allele origin: germline.

Women's Health and Genetics/Laboratory Corporation of America, LabCorp
Classification: Uncertain significance. Last evaluated: 2023-03-16. Review status: criteria provided, single submitter. Criteria: LabCorp Variant Classification Summary - May 2015. Collection method: clinical testing. Allele origin: germline.
Comment: Variant summary: RHOBTB2 c.20G>A (p.Gly7Asp) results in a non-conservative amino acid change in the encoded protein sequence. Four of five in-silico tools predict a benign effect of the variant on protein function. The variant allele was found at a frequency of 6.5e-06 in 154044 control chromosomes (gnomAD). The available data on variant occurrences in the general population are insufficient to allow any conclusion about variant significance. To our knowledge, no occurrence of c.20G>A in individuals affected with Developmental And Epileptic Encephalopathy, 64 and no experimental evidence demonstrating its impact on protein function have been reported. One ClinVar submitter has assessed the variant since 2014: the variant was classified as likely benign. Based on the evidence outlined above, the variant was classified as uncertain significance.

NC_000008.11:g.22994603G>A

Genes: RHOBTB2 (Rho related BTB domain containing 2; plus strand), RHOBTB2-AS1 (RHOBTB2 antisense RNA 1; minus strand). Cytogenetic location: 8p21.3.
Variant type: single nucleotide variant.
Molecular consequence: missense variant (on NM_001160036.2).
Genome position: GRCh38 VCF-style: chr8-22994603-G-A. GRCh37 (hg19) VCF-style: chr8-22852116-G-A.
Other names: c.20G>A, p.Gly7Asp (NM_001160036.2); short protein forms G7D.
Identifiers: ClinVar variation 1502488 (VCV001502488.7), dbSNP rs186695833, ClinGen allele CA173864349.